The following is an entry in ClinVar:

ClinVar aggregate classification (germline): Pathogenic (1 of 4 stars; one submission).

Submission:

Labcorp Genetics (formerly Invitae), Labcorp
Classification: Pathogenic. Last evaluated: 2025-08-17. Review status: criteria provided, single submitter. Criteria: Invitae Variant Classification Sherloc (09022015). Collection method: clinical testing. Allele origin: germline.
Comment: This sequence change creates a premature translational stop signal (p.Gln12*) in the MGME1 gene. It is expected to result in an absent or disrupted protein product. Loss-of-function variants in MGME1 are known to be pathogenic (PMID: 23313956). This variant is not present in population databases (gnomAD no frequency). This variant has not been reported in the literature in individuals affected with MGME1-related conditions. For these reasons, this variant has been classified as Pathogenic.

Literature cited by the submitters: PubMed 23313956.

NM_052865.4(MGME1):c.34C>T (p.Gln12Ter)

Genes: MGME1 (mitochondrial genome maintenance exonuclease 1; plus strand), LOC126862983 (CDK7 strongly-dependent group 2 enhancer GRCh37_chr20:17950167-17951366; plus strand). Cytogenetic location: 20p11.23.
Variant type: single nucleotide variant.
Coding change: c.34C>T on transcript NM_052865.4 (MANE Select); coding-DNA position 34, C replaced by T.
Protein change: p.Gln12Ter; replaces glutamine 12 with a stop codon.
Molecular consequence: nonsense.
Genome position (GRCh38, 1-based): chr20:17,969,893, C>T. VCF-style: chr20-17969893-C-T. GRCh37 (hg19) VCF-style: chr20-17950536-C-T.
Other names: c.34C>T, p.Gln12Ter (NM_001310338.2, NM_001310339.2, NM_001363738.2); short protein forms Q12*.
Identifiers: ClinVar variation 4701446 (VCV004701446.1).